The following is an entry in ClinVar:

NM_001042492.3(NF1):c.1658A>C (p.His553Pro)

Gene: NF1 (neurofibromin 1; plus strand). Cytogenetic location: 17q11.2.
Variant type: single nucleotide variant.
Coding change: c.1658A>C on transcript NM_001042492.3 (MANE Select); coding-DNA position 1658, A replaced by C.
Protein change: p.His553Pro; replaces histidine 553 with proline.
Molecular consequence: missense variant.
Genome position (GRCh38, 1-based): chr17:31,221,866, A>C. VCF-style: chr17-31221866-A-C. GRCh37 (hg19) VCF-style: chr17-29548884-A-C.
Other names: c.1658A>C, p.His553Pro (NM_000267.4, NM_001128147.3); short protein forms H553P.
Identifiers: ClinVar variation 1454369 (VCV001454369.12), dbSNP rs1064794274, ClinGen allele CA399002239.

ClinVar aggregate classification (germline): Pathogenic/Likely pathogenic. Review status: criteria provided, multiple submitters, no conflicts (2 of 4 stars). 4 submissions from 4 submitters: Pathogenic (2); Likely pathogenic (2). Last evaluated 2025-11-04.

Conditions:
Cardiovascular phenotype. Identifiers: MedGen CN230736.
Hereditary cancer-predisposing syndrome. Also called: Hereditary Cancer Syndrome; Hereditary neoplastic syndrome; Tumor predisposition; Neoplastic Syndromes, Hereditary. Identifiers: Orphanet 140162, MedGen C0027672, MeSH D009386, MONDO:0015356.
Neurofibromatosis, type 1 (NF1). Also called: Neurofibromatosis, type I; VON RECKLINGHAUSEN DISEASE; NEUROFIBROMATOSIS, TYPE I, SOMATIC; Peripheral type neurofibromatosis. Identifiers: Orphanet 636, MedGen C0027831, MONDO:0018975, OMIM 162200. Disease mechanism: loss of function.

Submissions (4):

Ambry Genetics
Classification: Likely pathogenic for Cardiovascular phenotype; Hereditary cancer-predisposing syndrome. Last evaluated: 2025-11-04. Review status: criteria provided, single submitter. Criteria: Ambry Variant Classification Scheme 2023. Collection method: clinical testing. Allele origin: germline.
Comment: The p.H553P variant (also known as c.1658A>C), located in coding exon 15 of the NF1 gene, results from an A to C substitution at nucleotide position 1658. The histidine at codon 553 is replaced by proline, an amino acid with similar properties. This variant was reported in individual(s) with features consistent with neurofibromatosis type 1 (NF1) (Griffiths S et al. Fam Cancer. 2007;6:21-34; Stella A et al. Genes (Basel). 2018 Apr;9; Wu-Chou YH et al. J Biomed Sci. 2018 Oct;25:72; Wang W et al. Mol Biol Rep. 2019 Aug;46:4349-4359; Ambry internal data). This missense alteration is located in a region that has a low rate of benign missense variation (Lek M et al. Nature. 2016 Aug 18;536(7616):285-91; DECIPHER: Database of Chromosomal Imbalance and Phenotype in Humans using Ensembl Resources. Firth H.V. et al. 2009. Am.J.Hum.Genet. 84, 524-533 (DOI)). Another variant at the same codon, p.H553R (c.1658A>G) has been identified in individual(s) with features consistent with NF1 (Yao R et al. Genes (Basel). 2019 10;10; Demir G&uuml;ndoan B et al. Turk J Med Sci. 2021 Aug; Ambry internal data). This variant is considered to be rare based on population cohorts in the Genome Aggregation Database (gnomAD). This amino acid position is highly conserved in available vertebrate species. In addition, this alteration is predicted to be deleterious by in silico analysis. Based on the majority of available evidence to date, this variant is likely to be pathogenic.

Labcorp Genetics (formerly Invitae), Labcorp
Classification: Pathogenic for Neurofibromatosis, type 1. Last evaluated: 2025-07-19. Review status: criteria provided, single submitter. Criteria: Invitae Variant Classification Sherloc (09022015). Collection method: clinical testing. Allele origin: germline.
Comment: This sequence change replaces histidine, which is basic and polar, with proline, which is neutral and non-polar, at codon 553 of the NF1 protein (p.His553Pro). This variant is not present in population databases (gnomAD no frequency). This missense change has been observed in individual(s) with clinical features of neurofibromatosis, type 1 (PMID: 16944272, 29673180). Invitae Evidence Modeling of clinical and family history, age, sex, and reported ancestry of multiple individuals with this NF1 variant has been performed. This variant is expected to be pathogenic with a positive predictive value of at least 99%. This is a validated machine learning model that incorporates the clinical features of 1,785,918 individuals referred to our laboratory for NF1 testing. ClinVar contains an entry for this variant (Variation ID: 1454369). Invitae Evidence Modeling of protein sequence and biophysical properties (such as structural, functional, and spatial information, amino acid conservation, physicochemical variation, residue mobility, and thermodynamic stability) indicates that this missense variant is expected to disrupt NF1 protein function with a positive predictive value of 95%. This variant disrupts the p.His553 amino acid residue in NF1. Other variant(s) that disrupt this residue have been determined to be pathogenic (PMID: 16944272, 27322474, 27838393). This suggests that this residue is clinically significant, and that variants that disrupt this residue are likely to be disease-causing. For these reasons, this variant has been classified as Pathogenic.

GeneDx
Classification: Pathogenic. Last evaluated: 2025-02-21. Review status: criteria provided, single submitter. Criteria: GeneDx Variant Classification Process June 2021. Collection method: clinical testing. Allele origin: germline. Affected: yes.
Comment: Not observed at significant frequency in large population cohorts (gnomAD); In silico analysis supports that this missense variant has a deleterious effect on protein structure/function; This variant is associated with the following publications: (PMID: 24803665, 31201679, 29673180, 16944272, 25486365, 27322474)

Greenwood Genetic Center Diagnostic Laboratories, Greenwood Genetic Center
Classification: Likely pathogenic for Neurofibromatosis, type 1. Last evaluated: 2022-09-13. Review status: criteria provided, single submitter. Criteria: ACMG Guidelines, 2015. Collection method: clinical testing. Allele origin: germline. Affected: yes.
Comment: PS4_Supporting, PM2, PM5, PP2, PP3

Literature cited by the submitters: PubMed 16944272 (cited by Ambry Genetics and Labcorp Genetics (formerly Invitae), Labcorp); PubMed 29673180 (cited by Ambry Genetics and Labcorp Genetics (formerly Invitae), Labcorp); PubMed 30290804 (cited by Ambry Genetics); PubMed 31201679 (cited by Ambry Genetics); PubMed 27322474 (cited by Labcorp Genetics (formerly Invitae), Labcorp); PubMed 27838393 (cited by Labcorp Genetics (formerly Invitae), Labcorp).